The following is an entry in ClinVar:

NM_020987.5(ANK3):c.8746A>G (p.Ile2916Val)

Gene: ANK3 (ankyrin 3; minus strand). Cytogenetic location: 10q21.2.
Variant type: single nucleotide variant.
Coding change: c.8746A>G on transcript NM_020987.5 (MANE Select); coding-DNA position 8746, A replaced by G.
Protein change: p.Ile2916Val; replaces isoleucine 2916 with valine.
Molecular consequence: missense variant. On other transcripts: intron variant (4).
Genome position (GRCh38, 1-based): chr10:60,072,135, T>C on the plus strand (A>G on the coding strand, the complement: ANK3 is on the minus strand). VCF-style: chr10-60072135-T-C. GRCh37 (hg19) VCF-style: chr10-61831893-T-C.
Other names: c.4388-4126A>G (NM_001204403.2); c.4409-4126A>G (NM_001204404.2); c.4406-4126A>G (NM_001320874.2); c.1808-4126A>G (NM_001149.4); c.8746A>G (NM_020987.4); short protein forms I2916V.
Identifiers: ClinVar variation 210178 (VCV000210178.16), dbSNP rs375389082, ClinGen allele CA208519.

ClinVar aggregate classification (germline): Uncertain significance. Review status: criteria provided, multiple submitters, no conflicts (2 of 4 stars). 3 submissions from 3 submitters: Uncertain significance (3). Last evaluated 2025-08-30.

Conditions:
Inborn genetic diseases. Identifiers: MedGen C0950123, MeSH D030342.
Intellectual developmental disorder, autosomal recessive 37. Also called: Intellectual disability-hypotonia-spasticity-sleep disorder syndrome. Identifiers: Orphanet 356996, MedGen C3809672, MONDO:0014210, OMIM 615493.

Allele frequency attached by ClinVar (database versions not stated): TOPMed below 0.00001; gnomAD 0.00001; gnomAD exomes 0.00001 and 0.00004; ExAC 0.00002; ESP Exome Variant Server 0.00008.
gnomAD v4.1: 61 of 1,613,856 alleles (0.0038%); highest among the groups gnomAD compares: Non-Finnish European, 0.0052%; no homozygotes.

Submissions (3):

Ambry Genetics
Classification: Uncertain significance for Inborn genetic diseases. Last evaluated: 2025-08-30. Review status: criteria provided, single submitter. Criteria: Ambry Variant Classification Scheme 2023. Collection method: clinical testing. Allele origin: germline.

Labcorp Genetics (formerly Invitae), Labcorp
Classification: Uncertain significance. Last evaluated: 2021-12-02. Review status: criteria provided, single submitter. Criteria: Invitae Variant Classification Sherloc (09022015). Collection method: clinical testing. Allele origin: germline.
Comment: In summary, the available evidence is currently insufficient to determine the role of this variant in disease. Therefore, it has been classified as a Variant of Uncertain Significance. Algorithms developed to predict the effect of missense changes on protein structure and function output the following: SIFT: "Not Available"; PolyPhen-2: "Benign"; Align-GVGD: "Not Available". The valine amino acid residue is found in multiple mammalian species, which suggests that this missense change does not adversely affect protein function. ClinVar contains an entry for this variant (Variation ID: 210178). This variant has not been reported in the literature in individuals affected with ANK3-related conditions. This variant is present in population databases (rs375389082, gnomAD 0.004%). This sequence change replaces isoleucine, which is neutral and non-polar, with valine, which is neutral and non-polar, at codon 2916 of the ANK3 protein (p.Ile2916Val).

Genetic Services Laboratory, University of Chicago
Classification: Uncertain significance. Last evaluated: 2015-02-10. Review status: criteria provided, single submitter. Criteria: ACMG Guidelines, 2015. Collection method: clinical testing. Allele origin: germline.